The following is an entry in ClinVar:

ClinVar aggregate classification (germline): Uncertain significance (1 of 4 stars; one submission).

Submission:

Labcorp Genetics (formerly Invitae), Labcorp
Classification: Uncertain significance. Last evaluated: 2022-04-13. Review status: criteria provided, single submitter. Criteria: Invitae Variant Classification Sherloc (09022015). Collection method: clinical testing. Allele origin: germline.
Comment: In summary, the available evidence is currently insufficient to determine the role of this variant in disease. Therefore, it has been classified as a Variant of Uncertain Significance. Algorithms developed to predict the effect of missense changes on protein structure and function (SIFT, PolyPhen-2, Align-GVGD) all suggest that this variant is likely to be tolerated. This variant has not been reported in the literature in individuals affected with PDHX-related conditions. This variant is not present in population databases (gnomAD no frequency). This sequence change replaces lysine, which is basic and polar, with arginine, which is basic and polar, at codon 120 of the PDHX protein (p.Lys120Arg).

NM_003477.3(PDHX):c.359A>G (p.Lys120Arg)

Gene: PDHX (pyruvate dehydrogenase complex component X; plus strand). Cytogenetic location: 11p13.
Variant type: single nucleotide variant.
Coding change: c.359A>G on transcript NM_003477.3 (MANE Select); coding-DNA position 359, A replaced by G.
Protein change: p.Lys120Arg; replaces lysine 120 with arginine.
Molecular consequence: missense variant. On other transcripts: intron variant (1).
Genome position (GRCh38, 1-based): chr11:34,957,400, A>G. VCF-style: chr11-34957400-A-G. GRCh37 (hg19) VCF-style: chr11-34978947-A-G.
Other names: c.179A>G, p.Lys60Arg (NM_001135024.2); c.342+9794A>G (NM_001166158.2); short protein forms K120R, K60R.
Identifiers: ClinVar variation 2126127 (VCV002126127.4), dbSNP rs2494702889, ClinGen allele CA380117863.
Genomic context (GRCh38, chr11:34,957,400, plus strand): 5'-CATGGGGTTTTACTTCTCTACAGTTACTTCTTTTTTAAATATAGGTTGAAGAAGGAAGTA[A>G]AAATATACGGCTAGGTTCACTAATTGGTTTGATAGTAGAAGAAGGAGAAGATTGGAAACA-3'
Protein context (NP_003468.2, residues 110-130): LAKIVVEEGS[Lys120Arg]NIRLGSLIGL